The following is an entry in ClinVar:

ClinVar aggregate classification (germline): Uncertain significance. Review status: criteria provided, multiple submitters, no conflicts (2 of 4 stars). 2 submissions from 2 submitters: Uncertain significance (2). Last evaluated 2025-09-22.

Conditions:
Inborn genetic diseases. Identifiers: MedGen C0950123, MeSH D030342.

Allele frequency attached by ClinVar (database versions not stated): gnomAD exomes 0.00001; gnomAD 0.00001.
gnomAD v4.1: 11 of 1,614,146 alleles (0.00068%); highest among the groups gnomAD compares: Non-Finnish European, 0.00093%; no homozygotes.

Submissions (2):

Labcorp Genetics (formerly Invitae), Labcorp
Classification: Uncertain significance. Last evaluated: 2025-09-22. Review status: criteria provided, single submitter. Criteria: Invitae Variant Classification Sherloc (09022015). Collection method: clinical testing. Allele origin: germline.
Comment: This sequence change replaces valine, which is neutral and non-polar, with methionine, which is neutral and non-polar, at codon 347 of the NLRP1 protein (p.Val347Met). This variant is not present in population databases (gnomAD no frequency). This variant has not been reported in the literature in individuals affected with NLRP1-related conditions. ClinVar contains an entry for this variant (Variation ID: 2880612). An algorithm developed to predict the effect of missense changes on protein structure and function (PolyPhen-2) suggests that this variant is likely to be disruptive. In summary, the available evidence is currently insufficient to determine the role of this variant in disease. Therefore, it has been classified as a Variant of Uncertain Significance.

Ambry Genetics
Classification: Uncertain significance for Inborn genetic diseases. Last evaluated: 2025-01-18. Review status: criteria provided, single submitter. Criteria: Ambry Variant Classification Scheme 2023. Collection method: clinical testing. Allele origin: germline.

NM_033004.4(NLRP1):c.1039G>A (p.Val347Met)

Gene: NLRP1 (NLR family pyrin domain containing 1; minus strand). Cytogenetic location: 17p13.2.
Variant type: single nucleotide variant.
Coding change: c.1039G>A on transcript NM_033004.4 (MANE Select); coding-DNA position 1039, G replaced by A.
Protein change: p.Val347Met; replaces valine 347 with methionine.
Molecular consequence: missense variant.
Genome position (GRCh38, 1-based): chr17:5,559,657, C>T on the plus strand (G>A on the coding strand, the complement: NLRP1 is on the minus strand). VCF-style: chr17-5559657-C-T. GRCh37 (hg19) VCF-style: chr17-5462977-C-T.
Other names: c.1039G>A, p.Val347Met (NM_001033053.3, NM_014922.5, NM_033006.4 and 1 more transcripts); c.1039G>A (NM_033004.3); short protein forms V347M.
Identifiers: ClinVar variation 2880612 (VCV002880612.4), dbSNP rs1914504729, ClinGen allele CA397387200.
Genomic context (GRCh38, chr17:5,559,657, plus strand): 5'-AGTAGAAGACATGCTGGAAGCGGTCCCCATACAGCTGGCCTCTCCCCCAGGCTTCCTTCA[C>T]CTGCCTGGCCAGTGTTGACTTCCCAATTCCAGCAGCCCCCTGCAGTATGACTATGCGAGG-3'
Protein context (NP_127497.1, residues 337-357): GIGKSTLARQ[Val347Met]KEAWGRGQLY